The following is an entry in ClinVar:

NM_025215.6(PUS1):c.458dup (p.Gln154fs)

Gene: PUS1 (pseudouridine synthase 1; plus strand). Cytogenetic location: 12q24.33.
Variant type: Duplication.
Coding change: c.458dup on transcript NM_025215.6 (MANE Select); coding-DNA position 458, one base duplicated (G; older notation c.458dupG).
Protein change: p.Gln154fs; shifts the reading frame from glutamine 154.
Molecular consequence: frameshift variant.
Genome position (GRCh38, 1-based): chr12:131,939,189, G duplicated; the last of 2 consecutive G bases (chr12:131,939,188-131,939,189); duplicating either gives the same sequence. VCF-style (leftmost placement, unchanged base first): chr12-131939187-C-CG. GRCh37 (hg19) VCF-style: chr12-132423732-C-CG.
Other names: c.374dup, p.Gln126fs (NM_001002019.3, NM_001002020.3); short protein forms Q126fs, Q154fs.
Identifiers: ClinVar variation 5012017 (VCV005012017.1).

ClinVar aggregate classification (germline): Pathogenic (1 of 4 stars; one submission).

Conditions:
Myopathy, lactic acidosis, and sideroblastic anemia 1 (MLASA1). Identifiers: Orphanet 2598, MedGen C4551958, MONDO:0024553, OMIM 600462.

Submission:

Myriad Genetics, Inc.
Classification: Pathogenic for Myopathy, lactic acidosis, and sideroblastic anemia 1. Last evaluated: 2023-09-27. Review status: criteria provided, single submitter. Criteria: Myriad Autosomal Dominant, Autosomal Recessive and X-Linked Classification Criteria (2023). Collection method: clinical testing. Allele origin: unknown.
Comment: NM_025215.5(PUS1):c.458dupG(Q154Pfs*11) is expected to be pathogenic in the context of myopathy, lactic acidosis, and sideroblastic anemia 1. This variant is predicted to lead to an abnormal or absent protein product due to the creation of a premature termination codon in PUS1, a gene where loss-of-function variants are known to be pathogenic. Please note: this variant was assessed in the context of healthy population screening.